The following is an entry in ClinVar:

NM_005188.4(CBL):c.755C>G (p.Ser252Cys)

Gene: CBL (Cbl proto-oncogene; plus strand). Cytogenetic location: 11q23.3.
Variant type: single nucleotide variant.
Coding change: c.755C>G on transcript NM_005188.4 (MANE Select); coding-DNA position 755, C replaced by G.
Protein change: p.Ser252Cys; replaces serine 252 with cysteine.
Molecular consequence: missense variant.
Genome position (GRCh38, 1-based): chr11:119,274,839, C>G. VCF-style: chr11-119274839-C-G. GRCh37 (hg19) VCF-style: chr11-119145549-C-G.
Other names: c.755C>G (NM_005188.2); short protein forms S252C.
Identifiers: ClinVar variation 1425487 (VCV001425487.7), dbSNP rs1477764968, ClinGen allele CA382910583.

ClinVar aggregate classification (germline): Uncertain significance. Review status: criteria provided, multiple submitters, no conflicts (2 of 4 stars). 2 submissions from 2 submitters: Uncertain significance (2). Last evaluated 2025-01-13.

Conditions:
Cardiovascular phenotype. Identifiers: MedGen CN230736.
RASopathy. Also called: rasopathies; Noonan spectrum disorder. Identifiers: Orphanet 536391, MedGen C5555857, MONDO:0021060.

Allele frequency attached by ClinVar (database versions not stated): gnomAD 0.00001; gnomAD exomes 0.00001.

Submissions (2):

Labcorp Genetics (formerly Invitae), Labcorp
Classification: Uncertain significance for RASopathy. Last evaluated: 2025-01-13. Review status: criteria provided, single submitter. Criteria: Invitae Variant Classification Sherloc (09022015). Collection method: clinical testing. Allele origin: germline.
Comment: This sequence change replaces serine, which is neutral and polar, with cysteine, which is neutral and slightly polar, at codon 252 of the CBL protein (p.Ser252Cys). This variant is present in population databases (no rsID available, gnomAD 0.006%). This variant has not been reported in the literature in individuals affected with CBL-related conditions. ClinVar contains an entry for this variant (Variation ID: 1425487). Invitae Evidence Modeling of protein sequence and biophysical properties (such as structural, functional, and spatial information, amino acid conservation, physicochemical variation, residue mobility, and thermodynamic stability) indicates that this missense variant is not expected to disrupt CBL protein function with a negative predictive value of 95%. In summary, the available evidence is currently insufficient to determine the role of this variant in disease. Therefore, it has been classified as a Variant of Uncertain Significance.

Ambry Genetics
Classification: Uncertain significance for Cardiovascular phenotype. Last evaluated: 2024-11-18. Review status: criteria provided, single submitter. Criteria: Ambry Variant Classification Scheme 2023. Collection method: clinical testing. Allele origin: germline.
Comment: The p.S252C variant (also known as c.755C>G), located in coding exon 5 of the CBL gene, results from a C to G substitution at nucleotide position 755. The serine at codon 252 is replaced by cysteine, an amino acid with dissimilar properties. This amino acid position is conserved. In addition, this alteration is predicted to be deleterious by in silico analysis. Based on the available evidence, the clinical significance of this variant remains unclear.